The following is an entry in ClinVar:

ClinVar aggregate classification (germline): Likely pathogenic (1 of 4 stars; one submission).

Submission:

GeneDx
Classification: Likely pathogenic. Last evaluated: 2017-12-22. Review status: criteria provided, single submitter. Criteria: GeneDx Variant Classification (06012015). Collection method: clinical testing. Allele origin: germline. Affected: yes.
Comment: Although the c.3788_3789dupCC likely pathogenic variant in the DSP gene has not been reported to our knowledge, this variant causes a shift in reading frame starting at codon threonine 1264, changing it to a proline, and creating a premature stop codon at position 22 of the new reading frame, denoted p.Thr1264ProfsX22. This likely pathogenic variant is expected to result in either an abnormal, truncated protein product or loss of protein from this allele through nonsense-mediated mRNA decay. Other frameshift variants in the DSP gene have been reported in Human Gene Mutation Database in association with DSP-related disorders (Stenson et al., 2014), indicating that loss of function is a mechanism of disease for this gene. Furthermore, the c.3788_3789dupCC variant has not been observed in large population cohorts (Lek et al., 2016).

NM_004415.4(DSP):c.3788_3789dup (p.Thr1264fs)

Gene: DSP (desmoplakin; plus strand). Cytogenetic location: 6p24.3.
Variant type: Duplication.
Coding change: c.3788_3789dup on transcript NM_004415.4 (MANE Select); coding-DNA positions 3788 to 3789, 2 bases duplicated (CC; older notation c.3788_3789dupCC).
Protein change: p.Thr1264fs; shifts the reading frame from threonine 1264.
Molecular consequence: frameshift variant. On other transcripts: intron variant (1).
Genome position (GRCh38, 1-based): chr6:7,579,978-7,579,979, CC duplicated. VCF-style (leftmost placement, unchanged base first): chr6-7579977-G-GCC. GRCh37 (hg19) VCF-style: chr6-7580210-G-GCC.
Other names: c.3788_3789dup (LRG_423t1); c.3788_3789dupCC (NM_004415.2); c.3788_3789dup, p.Thr1264fs (NM_001319034.2); c.3582+206_3582+207dup (NM_001008844.3); short protein forms T1264fs.
Identifiers: ClinVar variation 503944 (VCV000503944.1), dbSNP rs1554108170, ClinGen allele CA658796712.
Genomic context (GRCh38, chr6:7,579,977, plus strand): 5'-TCAAGGGAAAATCGAGATCTGAAGGATGAAATTGTCAGGCTCAATGACAGCATCTTGCAG[G>GCC]CCACTGAGCAGCGAAGGCGAGCTGAAGAAAACGCCCTTCAGCAAAAGGCCTGTGGCTCTG-3'